The following is an entry in ClinVar:

ClinVar aggregate classification (germline): Conflicting classifications of pathogenicity. Review status: criteria provided, conflicting classifications (1 of 4 stars). 7 submissions from 7 submitters: Uncertain significance (3); Likely benign (4). Last evaluated 2026-01-19.

Conditions:
Hereditary cancer-predisposing syndrome. Also called: Hereditary Cancer Syndrome; Hereditary neoplastic syndrome; Tumor predisposition; Neoplastic Syndromes, Hereditary. Identifiers: Orphanet 140162, MedGen C0027672, MeSH D009386, MONDO:0015356.
Hereditary breast ovarian cancer syndrome. Also called: Hereditary breast and ovarian cancer syndrome; Hereditary breast and ovarian cancer syndrome (HBOC); BRCA1- and BRCA2-Associated Hereditary Breast and Ovarian Cancer; Breast and ovarian cancer; Hereditary breast and ovarian cancer; Hereditary breast and/or ovarian cancer syndrome. Identifiers: Orphanet 145, MedGen C0677776, MeSH D061325, MONDO:0003582. Disease mechanism: loss of function.
Breast and/or ovarian cancer. Identifiers: MedGen CN221562.
Breast-ovarian cancer, familial, susceptibility to, 1 (BROVCA1). Also called: OVARIAN CANCER, SUSCEPTIBILITY TO; BRCA1 Hereditary Breast and Ovarian Cancer. Identifiers: Orphanet 145, MedGen C2676676, MONDO:0011450, OMIM 604370. Disease mechanism: loss of function.

Allele frequency attached by ClinVar (database versions not stated): gnomAD exomes 0.00001 and 0.00002.
gnomAD v4.1: 23 of 1,613,926 alleles (0.0014%); highest among the groups gnomAD compares: Non-Finnish European, 0.0019%; no homozygotes.

Submissions (7):

Labcorp Genetics (formerly Invitae), Labcorp
Classification: Likely benign for Hereditary breast ovarian cancer syndrome. Last evaluated: 2026-01-19. Review status: criteria provided, single submitter. Criteria: Invitae Variant Classification Sherloc (09022015). Collection method: clinical testing. Allele origin: germline.

Ambry Genetics
Classification: Uncertain significance for Hereditary cancer-predisposing syndrome. Last evaluated: 2025-03-18. Review status: criteria provided, single submitter. Criteria: Ambry Variant Classification Scheme 2023. Collection method: clinical testing. Allele origin: germline.
Comment: The p.N877S variant (also known as c.2630A>G), located in coding exon 9 of the BRCA1 gene, results from an A to G substitution at nucleotide position 2630. The asparagine at codon 877 is replaced by serine, an amino acid with highly similar properties. This alteration was identified in a population-based study of early-onset breast cancer diagnoses (Lee E et al. Breast Cancer Res, 2008 Feb;10:R19). This amino acid position is not well conserved in available vertebrate species. In addition, this alteration is predicted to be tolerated by in silico analysis. Based on the available evidence, the clinical significance of this variant remains unclear.

Center for Genomic Medicine, Rigshospitalet, Copenhagen University Hospital
Classification: Uncertain significance. Last evaluated: 2025-03-04. Review status: criteria provided, single submitter. Criteria: ACMG Guidelines, 2015. Collection method: clinical testing. Allele origin: germline.

All of Us Research Program, National Institutes of Health
Classification: Likely benign for Breast-ovarian cancer, familial, susceptibility to, 1. Last evaluated: 2023-09-17. Review status: criteria provided, single submitter. Criteria: ACMG Guidelines, 2015. Collection method: clinical testing. Allele origin: germline. Inheritance: Autosomal dominant inheritance. Observed: 2 variant alleles, 2 heterozygotes.
Comment: This study involves interpretation of variants in research participants for the purpose of population health screening. Participant phenotype was not available at the time of variant classification. Additional details can be found in publication PMID: 35346344, PMCID: PMC8962531

University of Washington Department of Laboratory Medicine, University of Washington
Classification: Likely benign for Hereditary cancer-predisposing syndrome. Last evaluated: 2023-03-23. Review status: criteria provided, single submitter. Criteria: Dines et al. (Genet Med. 2020). Collection method: curation. Allele origin: germline.
Comment: Missense variant in a coldspot region where missense variants are very unlikely to be pathogenic (PMID:31911673).

BRCA1 coldspot (exon 11 using historical exon numbering). Reclassification based on statistical prior probability

CHEO Genetics Diagnostic Laboratory, Children's Hospital of Eastern Ontario
Classification: Uncertain significance for Breast and/or ovarian cancer. Last evaluated: 2017-11-15. Review status: criteria provided, single submitter. Criteria: ACMG Guidelines, 2015. Collection method: clinical testing. Allele origin: germline.

Color Diagnostics, LLC DBA Color Health
Classification: Likely benign for Hereditary cancer-predisposing syndrome. Last evaluated: 2017-01-03. Review status: criteria provided, single submitter. Criteria: ACMG Guidelines, 2015. Collection method: clinical testing. Allele origin: germline.

Literature cited by the submitters: PubMed 18284688 (cited by Ambry Genetics).

NM_007294.4(BRCA1):c.2630A>G (p.Asn877Ser)

Gene: BRCA1 (BRCA1 DNA repair associated; minus strand). Cytogenetic location: 17q21.31.
Variant type: single nucleotide variant.
Coding change: c.2630A>G on transcript NM_007294.4 (MANE Select); coding-DNA position 2630, A replaced by G.
Protein change: p.Asn877Ser; replaces asparagine 877 with serine.
Molecular consequence: missense variant. On other transcripts: intron variant (137).
Genome position (GRCh38, 1-based): chr17:43,092,901, T>C on the plus strand (A>G on the coding strand, the complement: BRCA1 is on the minus strand). VCF-style: chr17-43092901-T-C. GRCh37 (hg19) VCF-style: chr17-41244918-T-C.
Other names: c.2630A>G, p.Asn877Ser (NM_001407621.1, NM_001407622.1, NM_001407623.1 and 30 more transcripts); c.2627A>G, p.Asn876Ser (NM_001407627.1, NM_001407628.1, NM_001407629.1 and 22 more transcripts); c.2621A>G, p.Asn874Ser (NM_001407646.1, NM_001407647.1); c.2507A>G, p.Asn836Ser (NM_001407648.1, NM_001407664.1, NM_001407665.1 and 19 more transcripts); c.2504A>G, p.Asn835Ser (NM_001407649.1, NM_001407670.1, NM_001407671.1 and 11 more transcripts); c.2549A>G, p.Asn850Ser (NM_001407662.1, NM_001407659.1, NM_001407660.1 and 1 more transcripts); c.2552A>G, p.Asn851Ser (NM_001407663.1, NM_001407653.1, NM_001407654.1 and 4 more transcripts); c.2489A>G, p.Asn830Ser (NM_001407726.1, NM_001407727.1, NM_001407728.1 and 29 more transcripts); and 41 more; short protein forms N877S, N830S, N766S, N829S, N835S, N851S, N874S, N807S.
Identifiers: ClinVar variation 187381 (VCV000187381.27), dbSNP rs786203689, ClinGen allele CA001725.